The following is an entry in ClinVar:

NM_004667.6(HERC2):c.2449G>A (p.Ala817Thr)

Gene: HERC2 (HECT and RLD domain containing E3 ubiquitin protein ligase 2; minus strand). Cytogenetic location: 15q13.1.
Variant type: single nucleotide variant.
Coding change: c.2449G>A on transcript NM_004667.6 (MANE Select); coding-DNA position 2449, G replaced by A.
Protein change: p.Ala817Thr; replaces alanine 817 with threonine.
Molecular consequence: missense variant.
Genome position (GRCh38, 1-based): chr15:28,257,129, C>T on the plus strand (G>A on the coding strand, the complement: HERC2 is on the minus strand). VCF-style: chr15-28257129-C-T. GRCh37 (hg19) VCF-style: chr15-28502275-C-T.
Other names: c.2449G>A (NM_004667.5); short protein forms A817T.
Identifiers: ClinVar variation 3105375 (VCV003105375.2), dbSNP rs759656981, ClinGen allele CA267933351.

ClinVar aggregate classification (germline): Conflicting classifications of pathogenicity. Review status: criteria provided, conflicting classifications (1 of 4 stars). 2 submissions from 2 submitters: Uncertain significance (1); Likely benign (1). Last evaluated 2023-11-08.

Conditions:
Inborn genetic diseases. Identifiers: MedGen C0950123, MeSH D030342.

Allele frequency attached by ClinVar (database versions not stated): gnomAD exomes below 0.00001; gnomAD 0.00001; TOPMed 0.00003.
gnomAD v4.1: 4 of 1,613,716 alleles (0.00025%); highest among the groups gnomAD compares: Non-Finnish European, 0.00025%; no homozygotes.

Submissions (2):

GeneDx
Classification: Uncertain significance. Last evaluated: 2023-11-08. Review status: criteria provided, single submitter. Criteria: GeneDx Variant Classification Process June 2021. Collection method: clinical testing. Allele origin: germline. Affected: yes.
Comment: Has not been previously published as pathogenic or benign to our knowledge; Not observed at significant frequency in large population cohorts (gnomAD); In silico analysis supports that this missense variant does not alter protein structure/function

Ambry Genetics
Classification: Likely benign for Inborn genetic diseases. Last evaluated: 2023-10-26. Review status: criteria provided, single submitter. Criteria: Ambry Variant Classification Scheme 2023. Collection method: clinical testing. Allele origin: germline.